The following is an entry in ClinVar:

ClinVar aggregate classification (germline): Uncertain significance (1 of 4 stars; one submission).

Allele frequency attached by ClinVar (database versions not stated): gnomAD exomes below 0.00001; TOPMed below 0.00001.
gnomAD v4.1: 3 of 1,577,214 alleles (0.00019%); highest among the groups gnomAD compares: East Asian, 0.007%; no homozygotes.

Submission:

Ambry Genetics
Classification: Uncertain significance. Last evaluated: 2025-05-19. Review status: criteria provided, single submitter. Criteria: Ambry Variant Classification Scheme 2023. Collection method: clinical testing. Allele origin: germline.
Comment: The p.Q736H variant (also known as c.2208G>T), located in coding exon 10 of the WNK2 gene, results from a G to T substitution at nucleotide position 2208. The glutamine at codon 736 is replaced by histidine, an amino acid with highly similar properties. This amino acid position is conserved. In addition, this alteration is predicted to be tolerated by in silico analysis. Based on the available evidence, the clinical significance of this variant remains unclear.

NM_006648.4(WNK2):c.2208G>T (p.Gln736His)

Gene: WNK2 (WNK lysine deficient protein kinase 2; plus strand). Cytogenetic location: 9q22.31.
Variant type: single nucleotide variant.
Coding change: c.2208G>T on transcript NM_006648.4 (MANE Select); coding-DNA position 2208, G replaced by T.
Protein change: p.Gln736His; replaces glutamine 736 with histidine.
Molecular consequence: missense variant.
Genome position (GRCh38, 1-based): chr9:93,256,965, G>T. VCF-style: chr9-93256965-G-T. GRCh37 (hg19) VCF-style: chr9-96019247-G-T.
Other names: c.2208G>T, p.Gln736His (NM_001282394.3); short protein forms Q736H.
Identifiers: ClinVar variation 2485893 (VCV002485893.3), dbSNP rs1291909055, ClinGen allele CA374053585.